The following is an entry in ClinVar:

NM_013266.4(CTNNA3):c.99+5T>C

Gene: CTNNA3 (catenin alpha 3; minus strand). Cytogenetic location: 10q21.3.
Variant type: single nucleotide variant.
Coding change: c.99+5T>C on transcript NM_013266.4 (MANE Select); 5 bases into the intron after coding-DNA position 99, T replaced by C.
Molecular consequence: intron variant.
Genome position (GRCh38, 1-based): chr10:67,647,410, A>G on the plus strand (T>C on the coding strand, the complement: CTNNA3 is on the minus strand). VCF-style: chr10-67647410-A-G. GRCh37 (hg19) VCF-style: chr10-69407168-A-G.
Other names: c.99+5T>C (NM_001127384.3); c.135+5T>C (NM_001291133.2).
Identifiers: ClinVar variation 660288 (VCV000660288.6), dbSNP rs200746095, ClinGen allele CA209147352.

ClinVar aggregate classification (germline): Uncertain significance (1 of 4 stars; one submission).

Conditions:
Arrhythmogenic right ventricular dysplasia 13. Also called: ARRHYTHMOGENIC RIGHT VENTRICULAR CARDIOMYOPATHY 13; Arrhythmogenic right ventricular dysplasia, familial, 13. Identifiers: MedGen C3810138, MONDO:0000908, OMIM 615616.

Allele frequency attached by ClinVar (database versions not stated): TOPMed 0.00001; gnomAD 0.00002; gnomAD exomes 0.00005.
gnomAD v4.1: 77 of 1,604,640 alleles (0.0048%); highest among the groups gnomAD compares: Non-Finnish European, 0.0062%; no homozygotes.

Submission:

Labcorp Genetics (formerly Invitae), Labcorp
Classification: Uncertain significance for Arrhythmogenic right ventricular dysplasia 13. Last evaluated: 2025-03-31. Review status: criteria provided, single submitter. Criteria: Invitae Variant Classification Sherloc (09022015). Collection method: clinical testing. Allele origin: germline.
Comment: This sequence change falls in intron 2 of the CTNNA3 gene. It does not directly change the encoded amino acid sequence of the CTNNA3 protein. It affects a nucleotide within the consensus splice site. This variant is present in population databases (rs200746095, gnomAD 0.002%). This variant has not been reported in the literature in individuals affected with CTNNA3-related conditions. ClinVar contains an entry for this variant (Variation ID: 660288). Variants that disrupt the consensus splice site are a relatively common cause of aberrant splicing (PMID: 17576681, 9536098). Algorithms developed to predict the effect of sequence changes on RNA splicing suggest that this variant is not likely to affect RNA splicing. In summary, the available evidence is currently insufficient to determine the role of this variant in disease. Therefore, it has been classified as a Variant of Uncertain Significance.

Literature cited by the submitters: PubMed 17576681; PubMed 9536098.